The following is an entry in ClinVar:

ClinVar aggregate classification (germline): Uncertain significance (1 of 4 stars; one submission).

Conditions:
Cystic fibrosis (CF). Also called: MUCOVISCIDOSIS. Identifiers: Orphanet 586, MedGen C0010674, MONDO:0009061, OMIM 219700. Disease mechanism: loss of function.

Submission:

Labcorp Genetics (formerly Invitae), Labcorp
Classification: Uncertain significance for Cystic fibrosis. Last evaluated: 2021-11-21. Review status: criteria provided, single submitter. Criteria: Invitae Variant Classification Sherloc (09022015). Collection method: clinical testing. Allele origin: germline.
Comment: In summary, the available evidence is currently insufficient to determine the role of this variant in disease. Therefore, it has been classified as a Variant of Uncertain Significance. Experimental studies and prediction algorithms are not available or were not evaluated, and the functional significance of this variant is currently unknown. A similar copy number variant has been observed in individual(s) with cystic fibrosis (Invitae). This variant results in a copy number gain of the genomic region encompassing exon(s) 11 of the CFTR gene. While the exact position of this variant cannot be determined from the data, sub-genic copy number gains are generally in tandem (PMID: 25640679). This variant is predicted to be in-frame, and likely preserves the integrity of the reading frame.

Literature cited by the submitters: PubMed 25640679.

NC_000007.13:g.(?_117199498)_(117199729_?)dup

Gene: CFTR (CF transmembrane conductance regulator; plus strand). Cytogenetic location: 7q31.2.
Variant type: Duplication.
Identifiers: ClinVar variation 2423156 (VCV002423156.4).